The following is an entry in ClinVar:

NC_000012.11:g.(?_88465051)_(88508979_?)dup

Gene: CEP290 (centrosomal protein 290; minus strand). Cytogenetic location: 12q21.32.
Variant type: Duplication.
Identifiers: ClinVar variation 2426914 (VCV002426914.6).

ClinVar aggregate classification (germline): Likely pathogenic (1 of 4 stars; one submission).

Conditions:
Joubert syndrome. Also called: CEREBELLOPARENCHYMAL DISORDER IV; JOUBERT-BOLTSHAUSER SYNDROME; Familial aplasia of the vermis. Identifiers: Orphanet 475, MedGen C5979921, MONDO:0018772.
Nephronophthisis. Also called: Juvenile Nephronophthisis. Identifiers: Orphanet 655, MedGen C0687120, MONDO:0019005, HP:0000090.
Meckel-Gruber syndrome. Also called: DYSENCEPHALIA SPLANCHNOCYSTICA; GRUBER SYNDROME; Dysencephalia splachnocystica. Identifiers: Orphanet 564, MedGen C0265215, MONDO:0018921.

Submission:

Labcorp Genetics (formerly Invitae), Labcorp
Classification: Likely pathogenic for Joubert syndrome; Meckel-Gruber syndrome; Nephronophthisis. Last evaluated: 2022-07-29. Review status: criteria provided, single submitter. Criteria: Invitae Variant Classification Sherloc (09022015). Collection method: clinical testing. Allele origin: germline.
Comment: This variant results in a copy number gain of the genomic region encompassing exon(s) 19-43 of the CEP290 gene. While the exact position of this variant cannot be determined from the data, sub-genic copy number gains are generally in tandem (PMID: 25640679). This variant is predicted to be out-of-frame, and may result in an absent or disrupted protein product. Loss-of-function variants in CEP290 are known to be pathogenic (PMID: 16909394, 17345604, 20690115). This variant has not been reported in the literature in individuals affected with CEP290-related conditions. In summary, the currently available evidence indicates that the variant is pathogenic, but additional data are needed to prove that conclusively. Therefore, this variant has been classified as Likely Pathogenic.

Literature cited by the submitters: PubMed 25640679; PubMed 16909394; PubMed 17345604; PubMed 20690115.